The following is an entry in ClinVar:

NM_021098.3(CACNA1H):c.2977C>T (p.Leu993Phe)

Gene: CACNA1H (calcium voltage-gated channel subunit alpha1 H; plus strand). Cytogenetic location: 16p13.3.
Variant type: single nucleotide variant.
Coding change: c.2977C>T on transcript NM_021098.3 (MANE Select); coding-DNA position 2977, C replaced by T.
Protein change: p.Leu993Phe; replaces leucine 993 with phenylalanine.
Molecular consequence: missense variant.
Genome position (GRCh38, 1-based): chr16:1,207,344, C>T. VCF-style: chr16-1207344-C-T. GRCh37 (hg19) VCF-style: chr16-1257344-C-T.
Other names: c.2977C>T, p.Leu993Phe (NM_001005407.2); short protein forms L993F.
Identifiers: ClinVar variation 4788938 (VCV004788938.1).

ClinVar aggregate classification (germline): Uncertain significance (1 of 4 stars; one submission).

Conditions:
Hyperaldosteronism, familial, type IV (HALD4). Also called: FH IV; ALDOSTERONISM, PRIMARY, AND HYPERTENSION. Identifiers: Orphanet 642671, MedGen C4310756, MONDO:0014875, OMIM 617027.
Idiopathic generalized epilepsy. Also called: Generalised epilepsy; EIG. Identifiers: MedGen C0270850, MONDO:0005579, OMIM 600669.

gnomAD v4.1: 5 of 1,612,732 alleles (0.00031%); highest among the groups gnomAD compares: Admixed American, 0.0017%; no homozygotes.

Submission:

Labcorp Genetics (formerly Invitae), Labcorp
Classification: Uncertain significance for Idiopathic generalized epilepsy; Hyperaldosteronism, familial, type IV. Last evaluated: 2025-11-23. Review status: criteria provided, single submitter. Criteria: Invitae Variant Classification Sherloc (09022015). Collection method: clinical testing. Allele origin: germline.
Comment: This sequence change replaces leucine, which is neutral and non-polar, with phenylalanine, which is neutral and non-polar, at codon 993 of the CACNA1H protein (p.Leu993Phe). This variant is present in population databases (no rsID available, gnomAD 0.003%). This variant has not been reported in the literature in individuals affected with CACNA1H-related conditions. Invitae Evidence Modeling of protein sequence and biophysical properties (such as structural, functional, and spatial information, amino acid conservation, physicochemical variation, residue mobility, and thermodynamic stability) indicates that this missense variant is expected to disrupt CACNA1H protein function with a positive predictive value of 80%. In summary, the available evidence is currently insufficient to determine the role of this variant in disease. Therefore, it has been classified as a Variant of Uncertain Significance.